The following is an entry in ClinVar:

NM_000059.4(BRCA2):c.9089del (p.Thr3030fs)

Gene: BRCA2 (BRCA2 DNA repair associated; plus strand). Cytogenetic location: 13q13.1.
Variant type: Deletion.
Coding change: c.9089del on transcript NM_000059.4 (MANE Select); coding-DNA position 9089, one base deleted (C; older notation c.9089delC).
Protein change: p.Thr3030fs; shifts the reading frame from threonine 3030.
Molecular consequence: frameshift variant.
Genome position (GRCh38, 1-based): chr13:32,379,885, C deleted. VCF-style (leftmost placement, unchanged base first): chr13-32379884-AC-A. GRCh37 (hg19) VCF-style: chr13-32954021-AC-A.
Other names: 9317delC; c.9089delC (NM_000059.3); short protein forms T3030fs.
Identifiers: ClinVar variation 267137 (VCV000267137.6), dbSNP rs886040818, ClinGen allele CA10589545.

ClinVar aggregate classification (germline): Pathogenic. Review status: reviewed by expert panel (3 of 4 stars). 3 submissions from 3 submitters: Pathogenic (1). 2 of the submissions do not count toward it. Last evaluated 2016-10-18.

Conditions:
Breast-ovarian cancer, familial, susceptibility to, 2 (BROVCA2). Also called: BRCA2 Hereditary Breast and Ovarian Cancer. Identifiers: Orphanet 145, MedGen C2675520, MONDO:0012933, OMIM 612555. Disease mechanism: loss of function.
Hereditary cancer-predisposing syndrome. Also called: Hereditary neoplastic syndrome; Neoplastic Syndromes, Hereditary; Tumor predisposition; Hereditary Cancer Syndrome. Identifiers: Orphanet 140162, MedGen C0027672, MeSH D009386, MONDO:0015356.

Submissions (3):

Evidence-based Network for the Interpretation of Germline Mutant Alleles (ENIGMA)
Classification: Pathogenic for Breast-ovarian cancer, familial, susceptibility to, 2. Last evaluated: 2016-10-18. Review status: reviewed by expert panel. Criteria: ENIGMA BRCA1/2 Classification Criteria (2015). Collection method: curation. Allele origin: germline.
Comment: Variant allele predicted to encode a truncated non-functional protein.

Ambry Genetics
Classification: Pathogenic for Hereditary cancer-predisposing syndrome. Last evaluated: 2025-09-09. Review status: criteria provided, single submitter. Criteria: Ambry Variant Classification Scheme 2023. Collection method: clinical testing. Allele origin: germline. Not counted in ClinVar's aggregate classification.
Comment: The c.9089delC pathogenic mutation, located in coding exon 22 of the BRCA2 gene, results from a deletion of one nucleotide at nucleotide position 9089, causing a translational frameshift with a predicted alternate stop codon (p.T3030Kfs*32). This variant is considered to be rare based on population cohorts in the Genome Aggregation Database (gnomAD). This alteration is expected to result in loss of function by premature protein truncation or nonsense-mediated mRNA decay. As such, this alteration is interpreted as a disease-causing mutation.

Consortium of Investigators of Modifiers of BRCA1/2 (CIMBA), c/o University of Cambridge
Classification: Pathogenic for Breast-ovarian cancer, familial, susceptibility to, 2. Last evaluated: 2015-10-02. Review status: criteria provided, single submitter. Criteria: CIMBA Mutation Classification guidelines May 2016. Collection method: clinical testing. Allele origin: germline. Not counted in ClinVar's aggregate classification.